The following is an entry in ClinVar:

ClinVar aggregate classification (germline): Likely benign (0 of 4 stars; one submission).

Conditions:
ABCA5-related disorder. Also called: ABCA5-related condition.

Allele frequency attached by ClinVar (database versions not stated): gnomAD exomes 0.00003; TOPMed 0.00006; gnomAD 0.00007; ExAC 0.00012; 1000 Genomes Project 30x 0.00047; 1000 Genomes Project 0.00060.
gnomAD v4.1: 53 of 1,613,940 alleles (0.0033%); highest among the groups gnomAD compares: East Asian, 0.094%; no homozygotes.

Submission:

PreventionGenetics, part of Exact Sciences
Classification: Likely benign for ABCA5-related condition. Last evaluated: 2019-06-25. Review status: no assertion criteria provided. Collection method: clinical testing. Allele origin: germline.
Comment: This variant is classified as likely benign based on ACMG/AMP sequence variant interpretation guidelines (Richards et al. 2015 PMID: 25741868, with internal and published modifications).

NM_172232.4(ABCA5):c.4521G>A (p.Val1507=)

Gene: ABCA5 (ATP binding cassette subfamily A member 5; minus strand). Cytogenetic location: 17q24.3.
Variant type: single nucleotide variant.
Coding change: c.4521G>A on transcript NM_172232.4 (MANE Select); coding-DNA position 4521, G replaced by A.
Protein change: p.Val1507=; no amino-acid change (valine 1507 retained).
Molecular consequence: synonymous variant.
Genome position (GRCh38, 1-based): chr17:69,251,761, C>T on the plus strand (G>A on the coding strand, the complement: ABCA5 is on the minus strand). VCF-style: chr17-69251761-C-T. GRCh37 (hg19) VCF-style: chr17-67247902-C-T.
Other names: c.4521G>A, p.Val1507= (NM_018672.5).
Identifiers: ClinVar variation 3042879 (VCV003042879.2), dbSNP rs199848425, ClinGen allele CA8736677.